The following is an entry in ClinVar:

NM_016373.4(WWOX):c.713A>G (p.Tyr238Cys)

Gene: WWOX (WW domain containing oxidoreductase; plus strand). Cytogenetic location: 16q23.1.
Variant type: single nucleotide variant.
Coding change: c.713A>G on transcript NM_016373.4 (MANE Select); coding-DNA position 713, A replaced by G.
Protein change: p.Tyr238Cys; replaces tyrosine 238 with cysteine.
Molecular consequence: missense variant.
Genome position (GRCh38, 1-based): chr16:78,424,977, A>G. VCF-style: chr16-78424977-A-G. GRCh37 (hg19) VCF-style: chr16-78458874-A-G.
Other names: c.374A>G, p.Tyr125Cys (NM_001291997.2); short protein forms Y238C, Y125C.
Identifiers: ClinVar variation 377189 (VCV000377189.19), dbSNP rs142806268, ClinGen allele CA8183426.

ClinVar aggregate classification (germline): Uncertain significance. Review status: criteria provided, multiple submitters, no conflicts (2 of 4 stars). 6 submissions from 6 submitters: Uncertain significance (6). Last evaluated 2026-01-05.

Conditions:
Autosomal recessive spinocerebellar ataxia 12. Also called: SPINOCEREBELLAR ATAXIA WITH MENTAL RETARDATION AND EPILEPSY. Identifiers: Orphanet 284282, MedGen C3280452, MONDO:0013687, OMIM 614322.
Developmental and epileptic encephalopathy, 1 (DEE1). Also called: X-linked infantile spasms; West's syndrome; Tonic spasms with clustering, arrest of psychomotor development and hypsarrhythmia on EEG; X-Linked Infantile Spasm Syndrome; OHTAHARA SYNDROME, X-LINKED; Epileptic encephalopathy, early infantile, 1. Identifiers: MedGen C3463992, MONDO:0010632, OMIM 308350. Disease mechanism: loss of function.

Allele frequency attached by ClinVar (database versions not stated): gnomAD exomes 0.00004 and 0.00007; ExAC 0.00012; TOPMed 0.00023; ESP Exome Variant Server 0.00024; gnomAD 0.00026 and 0.00027; 1000 Genomes Project 30x 0.00047; 1000 Genomes Project 0.00060.
gnomAD v4.1: 99 of 1,614,056 alleles (0.0061%); highest among the groups gnomAD compares: African/African-American, 0.1%; no homozygotes.

Submissions (6):

Labcorp Genetics (formerly Invitae), Labcorp
Classification: Uncertain significance for Developmental and epileptic encephalopathy, 1; Autosomal recessive spinocerebellar ataxia 12. Last evaluated: 2026-01-05. Review status: criteria provided, single submitter. Criteria: Invitae Variant Classification Sherloc (09022015). Collection method: clinical testing. Allele origin: germline.
Comment: This sequence change replaces tyrosine, which is neutral and polar, with cysteine, which is neutral and slightly polar, at codon 238 of the WWOX protein (p.Tyr238Cys). This variant is present in population databases (rs142806268, gnomAD 0.07%). This variant has not been reported in the literature in individuals affected with WWOX-related conditions. ClinVar contains an entry for this variant (Variation ID: 377189). Invitae Evidence Modeling of protein sequence and biophysical properties (such as structural, functional, and spatial information, amino acid conservation, physicochemical variation, residue mobility, and thermodynamic stability) indicates that this missense variant is expected to disrupt WWOX protein function with a positive predictive value of 80%. In summary, the available evidence is currently insufficient to determine the role of this variant in disease. Therefore, it has been classified as a Variant of Uncertain Significance.

GeneDx
Classification: Uncertain significance. Last evaluated: 2025-08-13. Review status: criteria provided, single submitter. Criteria: GeneDx Variant Classification Process June 2021. Collection method: clinical testing. Allele origin: germline. Affected: yes.
Comment: Reported previously as a heterozygous maternally inherited variant in a child with epilepsy and developmental delay, who also has multiple other variants identified in other genes (PMID: 39913128); In silico analysis supports that this missense variant has a deleterious effect on protein structure/function; This variant is associated with the following publications: (PMID: 39913128, 25411445)

Women's Health and Genetics/Laboratory Corporation of America, LabCorp
Classification: Uncertain significance. Last evaluated: 2025-06-13. Review status: criteria provided, single submitter. Criteria: LabCorp Variant Classification Summary - May 2015. Collection method: clinical testing. Allele origin: germline.
Comment: Variant summary: WWOX c.713A>G (p.Tyr238Cys) results in a non-conservative amino acid change in the encoded protein sequence. Algorithms developed to predict the effect of missense changes on protein structure and function all suggest that this variant is likely to be disruptive. The variant allele was found at a frequency of 6.8e-05 in 249538 control chromosomes. This frequency is not significantly higher than estimated for a pathogenic variant in WWOX causing Early Infantile Epileptic Encephalopathy, Autosomal Recessive, allowing no conclusion about variant significance. To our knowledge, no occurrence of c.713A>G in individuals affected with Early Infantile Epileptic Encephalopathy, Autosomal Recessive and no experimental evidence demonstrating its impact on protein function have been reported. ClinVar contains an entry for this variant (Variation ID: 377189). Based on the evidence outlined above, the variant was classified as uncertain significance.

Blueprint Genetics
Classification: Uncertain significance. Last evaluated: 2024-03-13. Review status: criteria provided, single submitter. Criteria: ACMG Guidelines, 2015. Collection method: clinical testing. Allele origin: germline.

Dubai Health Genomic Medicine Center, Dubai Health
Classification: Uncertain significance for Autosomal recessive spinocerebellar ataxia 12. Last evaluated: 2021-01-24. Review status: criteria provided, single submitter. Criteria: ACMG Guidelines, 2015. Collection method: clinical testing. Allele origin: germline. Affected: yes.

Center for Pediatric Genomic Medicine, Children's Mercy Hospital and Clinics
Classification: Uncertain significance. Last evaluated: 2016-07-11. Review status: criteria provided, single submitter. Criteria: ACMG Guidelines, 2015. Collection method: clinical testing. Allele origin: germline.
ClinVar note: Converted during submission from Uncertain Significance to Uncertain significance.